The following is an entry in ClinVar:

NM_006231.4(POLE):c.2042G>C (p.Ser681Thr)

Gene: POLE (DNA polymerase epsilon, catalytic subunit; minus strand). Cytogenetic location: 12q24.33.
Variant type: single nucleotide variant.
Coding change: c.2042G>C on transcript NM_006231.4 (MANE Select); coding-DNA position 2042, G replaced by C.
Protein change: p.Ser681Thr; replaces serine 681 with threonine.
Molecular consequence: missense variant.
Genome position (GRCh38, 1-based): chr12:132,668,487, C>G on the plus strand (G>C on the coding strand, the complement: POLE is on the minus strand). VCF-style: chr12-132668487-C-G. GRCh37 (hg19) VCF-style: chr12-133245073-C-G.
Other names: short protein forms S681T.
Identifiers: ClinVar variation 2561539 (VCV002561539.5), dbSNP rs1206287735, ClinGen allele CA387354400.
Genomic context (GRCh38, chr12:132,668,487, plus strand): 5'-TCTGGGAACAAGGGGGGGAACTTCTCTGACTCCAGCTGGTGCTGGATCCGATGGTATTCG[C>G]TGCGACTGGCTGGCACTGGGAAGGAGGCAATGGGGGCAAGTTCAAAAGGAGGCACAGACA-3'
Protein context (NP_006222.2, residues 671-691): WRGEFMPASR[Ser681Thr]EYHRIQHQLE

ClinVar aggregate classification (germline): Uncertain significance. Review status: criteria provided, multiple submitters, no conflicts (2 of 4 stars). 2 submissions from 2 submitters: Uncertain significance (2). Last evaluated 2023-09-14.

Conditions:
Hereditary cancer-predisposing syndrome. Also called: Neoplastic Syndromes, Hereditary; Hereditary Cancer Syndrome; Hereditary neoplastic syndrome; Tumor predisposition. Identifiers: Orphanet 140162, MedGen C0027672, MeSH D009386, MONDO:0015356.

gnomAD v4.1: 1 of 1,598,892 alleles (0.000063%); highest among the groups gnomAD compares: East Asian, 0.0022%; no homozygotes.

Submissions (2):

Labcorp Genetics (formerly Invitae), Labcorp
Classification: Uncertain significance. Last evaluated: 2023-09-14. Review status: criteria provided, single submitter. Criteria: Invitae Variant Classification Sherloc (09022015). Collection method: clinical testing. Allele origin: germline.
Comment: This sequence change replaces serine, which is neutral and polar, with threonine, which is neutral and polar, at codon 681 of the POLE protein (p.Ser681Thr). This variant is present in population databases (no rsID available, gnomAD 0.006%). This variant has not been reported in the literature in individuals affected with POLE-related conditions. ClinVar contains an entry for this variant (Variation ID: 2561539). Advanced modeling of protein sequence and biophysical properties (such as structural, functional, and spatial information, amino acid conservation, physicochemical variation, residue mobility, and thermodynamic stability) performed at Invitae indicates that this missense variant is not expected to disrupt POLE protein function. In summary, the available evidence is currently insufficient to determine the role of this variant in disease. Therefore, it has been classified as a Variant of Uncertain Significance.

Ambry Genetics
Classification: Uncertain significance for Hereditary cancer-predisposing syndrome. Last evaluated: 2023-05-11. Review status: criteria provided, single submitter. Criteria: Ambry Variant Classification Scheme 2023. Collection method: clinical testing. Allele origin: germline.
Comment: The p.S681T variant (also known as c.2042G>C), located in coding exon 19 of the POLE gene, results from a G to C substitution at nucleotide position 2042. The serine at codon 681 is replaced by threonine, an amino acid with similar properties. This amino acid position is conserved. In addition, this alteration is predicted to be tolerated by in silico analysis. Since supporting evidence is limited at this time, the clinical significance of this alteration remains unclear.